The following is an entry in ClinVar:

ClinVar aggregate classification (germline): Uncertain significance (1 of 4 stars; one submission).

Submission:

Labcorp Genetics (formerly Invitae), Labcorp
Classification: Uncertain significance. Last evaluated: 2023-07-19. Review status: criteria provided, single submitter. Criteria: Invitae Variant Classification Sherloc (09022015). Collection method: clinical testing. Allele origin: germline.
Comment: In summary, the available evidence is currently insufficient to determine the role of this variant in disease. Therefore, it has been classified as a Variant of Uncertain Significance. Algorithms developed to predict the effect of sequence changes on RNA splicing suggest that this variant may disrupt the consensus splice site. This variant has not been reported in the literature in individuals affected with MSH3-related conditions. This variant is not present in population databases (gnomAD no frequency). This sequence change falls in intron 14 of the MSH3 gene. It does not directly change the encoded amino acid sequence of the MSH3 protein.

NM_002439.5(MSH3):c.2085-8T>G

Gene: MSH3 (mutS homolog 3; plus strand). Cytogenetic location: 5q14.1.
Variant type: single nucleotide variant.
Coding change: c.2085-8T>G on transcript NM_002439.5 (MANE Select); 8 bases into the intron before coding-DNA position 2085, T replaced by G.
Molecular consequence: intron variant.
Genome position (GRCh38, 1-based): chr5:80,768,827, T>G. VCF-style: chr5-80768827-T-G. GRCh37 (hg19) VCF-style: chr5-80064646-T-G.
Identifiers: ClinVar variation 2744907 (VCV002744907.3), dbSNP rs1580034738, ClinGen allele CA2697546213.